The following is an entry in ClinVar:

NM_133497.4(KCNV2):c.1409G>A (p.Gly470Asp)

Gene: KCNV2 (potassium voltage-gated channel modifier subfamily V member 2; plus strand). Cytogenetic location: 9p24.2.
Variant type: single nucleotide variant.
Coding change: c.1409G>A on transcript NM_133497.4 (MANE Select); coding-DNA position 1409, G replaced by A.
Protein change: p.Gly470Asp; replaces glycine 470 with aspartic acid.
Molecular consequence: missense variant.
Genome position (GRCh38, 1-based): chr9:2,729,498, G>A. VCF-style: chr9-2729498-G-A. GRCh37 (hg19) VCF-style: chr9-2729498-G-A.
Other names: short protein forms G470D.
Identifiers: ClinVar variation 1038098 (VCV001038098.8), dbSNP rs777154728, ClinGen allele CA4965916.
Genomic context (GRCh38, chr9:2,729,498, plus strand): 5'-CTCTACAGGTGAGCATCTCCACCGTGGGCTACGGAGACATGTACCCAGAGACCCACCTGG[G>A]CAGGTTTTTTGCCTTCCTCTGCATTGCTTTTGGGATCATTCTCAACGGGATGCCCATTTC-3'
Protein context (NP_598004.1, residues 460-480): YGDMYPETHL[Gly470Asp]RFFAFLCIAF

ClinVar aggregate classification (germline): Likely pathogenic (1 of 4 stars; one submission).

Allele frequency attached by ClinVar (database versions not stated): gnomAD exomes below 0.00001; ExAC 0.00001.

Submission:

Labcorp Genetics (formerly Invitae), Labcorp
Classification: Likely pathogenic. Last evaluated: 2025-05-05. Review status: criteria provided, single submitter. Criteria: Invitae Variant Classification Sherloc (09022015). Collection method: clinical testing. Allele origin: germline.
Comment: This sequence change replaces glycine, which is neutral and non-polar, with aspartic acid, which is acidic and polar, at codon 470 of the KCNV2 protein (p.Gly470Asp). This variant is present in population databases (rs777154728, gnomAD 0.0009%). This missense change has been observed in individuals with cone-rod dystrophy (PMID: 26992781; internal data). ClinVar contains an entry for this variant (Variation ID: 1038098). Invitae Evidence Modeling of protein sequence and biophysical properties (such as structural, functional, and spatial information, amino acid conservation, physicochemical variation, residue mobility, and thermodynamic stability) indicates that this missense variant is expected to disrupt KCNV2 protein function with a positive predictive value of 95%. This variant disrupts the p.Gly470 amino acid residue in KCNV2. Other variant(s) that disrupt this residue have been observed in individuals with KCNV2-related conditions (PMID: 33090715), which suggests that this may be a clinically significant amino acid residue. In summary, the currently available evidence indicates that the variant is pathogenic, but additional data are needed to prove that conclusively. Therefore, this variant has been classified as Likely Pathogenic.

Literature cited by the submitters: PubMed 26992781; PubMed 33090715.